The following is an entry in ClinVar:

ClinVar aggregate classification (germline): Uncertain significance (1 of 4 stars; one submission).

Conditions:
Congenital disorder of glycosylation (CDG). Also called: Congenital disorders of glycosylation; Carbohydrate-deficient glycoprotein syndrome. Identifiers: Orphanet 137, MedGen C0282577, MONDO:0015286.

Allele frequency attached by ClinVar (database versions not stated): ExAC 0.00001; gnomAD 0.00001; TOPMed 0.00001; gnomAD exomes 0.00002.
gnomAD v4.1: 10 of 1,614,092 alleles (0.00062%); highest among the groups gnomAD compares: Admixed American, 0.005%; no homozygotes.

Submission:

Labcorp Genetics (formerly Invitae), Labcorp
Classification: Uncertain significance for Congenital disorder of glycosylation. Last evaluated: 2025-12-30. Review status: criteria provided, single submitter. Criteria: Invitae Variant Classification Sherloc (09022015). Collection method: clinical testing. Allele origin: germline.
Comment: This sequence change replaces serine, which is neutral and polar, with leucine, which is neutral and non-polar, at codon 40 of the RPN2 protein (p.Ser40Leu). This variant is present in population databases (rs773226770, gnomAD 0.006%). This variant has not been reported in the literature in individuals affected with RPN2-related conditions. ClinVar contains an entry for this variant (Variation ID: 1022440). An algorithm developed to predict the effect of missense changes on protein structure and function (PolyPhen-2) suggests that this variant is likely to be tolerated. In summary, the available evidence is currently insufficient to determine the role of this variant in disease. Therefore, it has been classified as a Variant of Uncertain Significance.

NM_002951.5(RPN2):c.119C>T (p.Ser40Leu)

Gene: RPN2 (ribophorin II; plus strand). Cytogenetic location: 20q11.23.
Variant type: single nucleotide variant.
Coding change: c.119C>T on transcript NM_002951.5 (MANE Select); coding-DNA position 119, C replaced by T.
Protein change: p.Ser40Leu; replaces serine 40 with leucine.
Molecular consequence: missense variant. On other transcripts: 5 prime UTR variant (1).
Genome position (GRCh38, 1-based): chr20:37,184,285, C>T. VCF-style: chr20-37184285-C-T. GRCh37 (hg19) VCF-style: chr20-35812688-C-T.
Other names: c.119C>T, p.Ser40Leu (NM_001135771.3, NM_001324299.2, NM_001324301.2 and 4 more transcripts); c.-81C>T (NM_001324306.2); short protein forms S40L.
Identifiers: ClinVar variation 1022440 (VCV001022440.7), dbSNP rs773226770, ClinGen allele CA9846753.